The following is an entry in ClinVar:

ClinVar aggregate classification (germline): Uncertain significance (1 of 4 stars; one submission).

Conditions:
Cardiovascular phenotype. Identifiers: MedGen CN230736.

Allele frequency attached by ClinVar (database versions not stated): gnomAD exomes below 0.00001.
gnomAD v4.1: 1 of 1,590,770 alleles (0.000063%); highest among the groups gnomAD compares: South Asian, 0.0012%; no homozygotes.

Submission:

Ambry Genetics
Classification: Uncertain significance for Cardiovascular phenotype. Last evaluated: 2021-10-19. Review status: criteria provided, single submitter. Criteria: Ambry Variant Classification Scheme 2023. Collection method: clinical testing. Allele origin: germline.
Comment: The p.D765Y variant (also known as c.2293G>T), located in coding exon 8 of the AKAP9 gene, results from a G to T substitution at nucleotide position 2293. The aspartic acid at codon 765 is replaced by tyrosine, an amino acid with highly dissimilar properties. This amino acid position is conserved. In addition, this alteration is predicted to be tolerated by in silico analysis. Since supporting evidence is limited at this time, the clinical significance of this alteration remains unclear.

NM_005751.5(AKAP9):c.2293G>T (p.Asp765Tyr)

Gene: AKAP9 (A-kinase anchoring protein 9; plus strand). Cytogenetic location: 7q21.2.
Variant type: single nucleotide variant.
Coding change: c.2293G>T on transcript NM_005751.5 (MANE Select); coding-DNA position 2293, G replaced by T.
Protein change: p.Asp765Tyr; replaces aspartic acid 765 with tyrosine.
Molecular consequence: missense variant.
Genome position (GRCh38, 1-based): chr7:92,002,210, G>T. VCF-style: chr7-92002210-G-T. GRCh37 (hg19) VCF-style: chr7-91631524-G-T.
Other names: c.2293G>T, p.Asp765Tyr (NM_147185.3); short protein forms D765Y.
Identifiers: ClinVar variation 1789143 (VCV001789143.2), dbSNP rs2484693102, ClinGen allele CA368123785.